The following is an entry in ClinVar:

ClinVar aggregate classification (germline): Uncertain significance (1 of 4 stars; one submission).

Conditions:
Amyotrophic lateral sclerosis type 4 (ALS4). Also called: AMYOTROPHIC LATERAL SCLEROSIS 4, JUVENILE; NEURONOPATHY, DISTAL HEREDITARY MOTOR, WITH PYRAMIDAL FEATURES. Identifiers: Orphanet 357043, MedGen C1865409, MONDO:0011223, OMIM 602433.
Spinocerebellar ataxia, autosomal recessive, with axonal neuropathy 2 (SCAN2). Also called: ATAXIA-OCULOMOTOR APRAXIA 2; Ataxia with Oculomotor Apraxia; Ataxia with Oculomotor Apraxia Type 2; Ataxia-ocular apraxia-2. Identifiers: Orphanet 64753, MedGen C1853761, MONDO:0018996, OMIM 606002.

Allele frequency attached by ClinVar (database versions not stated): gnomAD exomes below 0.00001; ExAC 0.00001.

Submission:

Labcorp Genetics (formerly Invitae), Labcorp
Classification: Uncertain significance for Amyotrophic lateral sclerosis type 4; Spinocerebellar ataxia, autosomal recessive, with axonal neuropathy 2. Last evaluated: 2022-01-14. Review status: criteria provided, single submitter. Criteria: Invitae Variant Classification Sherloc (09022015). Collection method: clinical testing. Allele origin: germline.
Comment: This sequence change replaces valine, which is neutral and non-polar, with leucine, which is neutral and non-polar, at codon 1157 of the SETX protein (p.Val1157Leu). The frequency data for this variant in the population databases is considered unreliable, as metrics indicate poor data quality at this position in the gnomAD database. This variant has not been reported in the literature in individuals affected with SETX-related conditions. ClinVar contains an entry for this variant (Variation ID: 582615). Advanced modeling of protein sequence and biophysical properties (such as structural, functional, and spatial information, amino acid conservation, physicochemical variation, residue mobility, and thermodynamic stability) performed at Invitae indicates that this missense variant is not expected to disrupt SETX protein function. In summary, the available evidence is currently insufficient to determine the role of this variant in disease. Therefore, it has been classified as a Variant of Uncertain Significance.

NM_015046.7(SETX):c.3469G>T (p.Val1157Leu)

Gene: SETX (senataxin; minus strand). Cytogenetic location: 9q34.13.
Variant type: single nucleotide variant.
Coding change: c.3469G>T on transcript NM_015046.7 (MANE Select); coding-DNA position 3469, G replaced by T.
Protein change: p.Val1157Leu; replaces valine 1157 with leucine.
Molecular consequence: missense variant.
Genome position (GRCh38, 1-based): chr9:132,328,129, C>A on the plus strand (G>T on the coding strand, the complement: SETX is on the minus strand). VCF-style: chr9-132328129-C-A. GRCh37 (hg19) VCF-style: chr9-135203516-C-A.
Other names: c.3469G>T, p.Val1157Leu (NM_001351527.2, NM_001351528.2); short protein forms V1157L.
Identifiers: ClinVar variation 582615 (VCV000582615.9), dbSNP rs748505684, ClinGen allele CA5297396.
Genomic context (GRCh38, chr9:132,328,129, plus strand): 5'-AAGGCCTCACAGGATCTTCAGCCATTGGTTTTTCAGATCGTTTTCTCTTAGGCTTTTTTA[C>A]TTCAATTTCACAAAATTCTTCAACAGAAATACTCCGTGGTCTTGTGTGTTCTTCAATGCC-3'
Protein context (NP_055861.3, residues 1147-1167): ISVEEFCEIE[Val1157Leu]KKPKRKRSEK